The following is an entry in ClinVar:

ClinVar aggregate classification (germline): Uncertain significance. Review status: criteria provided, multiple submitters, no conflicts (2 of 4 stars). 3 submissions from 3 submitters: Uncertain significance (3). Last evaluated 2025-11-03.

Conditions:
Inborn genetic diseases. Identifiers: MedGen C0950123, MeSH D030342.

Allele frequency attached by ClinVar (database versions not stated): gnomAD exomes 0.00004; ExAC 0.00007; gnomAD 0.00004; TOPMed 0.00002.
gnomAD v4.1: 59 of 1,603,590 alleles (0.0037%); highest among the groups gnomAD compares: East Asian, 0.02%; 1 homozygote.

Submissions (3):

Labcorp Genetics (formerly Invitae), Labcorp
Classification: Uncertain significance. Last evaluated: 2025-11-03. Review status: criteria provided, single submitter. Criteria: Invitae Variant Classification Sherloc (09022015). Collection method: clinical testing. Allele origin: germline.
Comment: This sequence change replaces glutamic acid, which is acidic and polar, with lysine, which is basic and polar, at codon 532 of the NALCN protein (p.Glu532Lys). This variant is present in population databases (rs753183455, gnomAD 0.03%), including at least one homozygous and/or hemizygous individual. This variant has not been reported in the literature in individuals affected with NALCN-related conditions. ClinVar contains an entry for this variant (Variation ID: 2977255). Invitae Evidence Modeling of protein sequence and biophysical properties (such as structural, functional, and spatial information, amino acid conservation, physicochemical variation, residue mobility, and thermodynamic stability) indicates that this missense variant is not expected to disrupt NALCN protein function with a negative predictive value of 80%. In summary, the available evidence is currently insufficient to determine the role of this variant in disease. Therefore, it has been classified as a Variant of Uncertain Significance.

Ambry Genetics
Classification: Uncertain significance for Inborn genetic diseases. Last evaluated: 2025-10-24. Review status: criteria provided, single submitter. Criteria: Ambry Variant Classification Scheme 2023. Collection method: clinical testing. Allele origin: germline.

Women's Health and Genetics/Laboratory Corporation of America, LabCorp
Classification: Uncertain significance. Last evaluated: 2024-12-24. Review status: criteria provided, single submitter. Criteria: LabCorp Variant Classification Summary - May 2015. Collection method: clinical testing. Allele origin: germline.
Comment: Variant summary: NALCN c.1594G>A (p.Glu532Lys) results in a conservative amino acid change in the encoded protein sequence. Three of five in-silico tools predict a benign effect of the variant on protein function. The variant allele was found at a frequency of 4.5e-05 in 242832 control chromosomes in the gnomAD database, including one homozygote. This frequency is not significantly higher than estimated for a pathogenic variant in NALCN causing Congenital Contractures Of The Limbs And Face, Hypotonia, And Developmental Delay, allowing no conclusion about variant significance. To our knowledge, no occurrence of c.1594G>A in individuals affected with Congenital Contractures Of The Limbs And Face, Hypotonia, And Developmental Delay and no experimental evidence demonstrating its impact on protein function have been reported. ClinVar contains an entry for this variant (Variation ID: 2977255). Based on the evidence outlined above, the variant was classified as uncertain significance.

NM_052867.4(NALCN):c.1594G>A (p.Glu532Lys)

Gene: NALCN (sodium leak channel, non-selective; minus strand). Cytogenetic location: 13q33.1.
Variant type: single nucleotide variant.
Coding change: c.1594G>A on transcript NM_052867.4 (MANE Select); coding-DNA position 1594, G replaced by A.
Protein change: p.Glu532Lys; replaces glutamic acid 532 with lysine.
Molecular consequence: missense variant.
Genome position (GRCh38, 1-based): chr13:101,229,425, C>T on the plus strand (G>A on the coding strand, the complement: NALCN is on the minus strand). VCF-style: chr13-101229425-C-T. GRCh37 (hg19) VCF-style: chr13-101881776-C-T.
Other names: c.1594G>A, p.Glu532Lys (NM_001350748.2, NM_001350749.2); c.1507G>A, p.Glu503Lys (NM_001350750.2, NM_001350751.2); c.1594G>A (NM_052867.2); short protein forms E532K, E503K.
Identifiers: ClinVar variation 2977255 (VCV002977255.5), dbSNP rs753183455, ClinGen allele CA7036188.